The following is an entry in ClinVar:

ClinVar aggregate classification (germline): Uncertain significance (1 of 4 stars; one submission).

Submission:

Labcorp Genetics (formerly Invitae), Labcorp
Classification: Uncertain significance. Last evaluated: 2025-10-28. Review status: criteria provided, single submitter. Criteria: Invitae Variant Classification Sherloc (09022015). Collection method: clinical testing. Allele origin: germline.
Comment: This sequence change replaces proline, which is neutral and non-polar, with leucine, which is neutral and non-polar, at codon 1811 of the RP1 protein (p.Pro1811Leu). This variant is not present in population databases (gnomAD no frequency). This variant has not been reported in the literature in individuals affected with RP1-related conditions. An algorithm developed to predict the effect of missense changes on protein structure and function (PolyPhen-2) suggests that this variant is likely to be disruptive. In summary, the available evidence is currently insufficient to determine the role of this variant in disease. Therefore, it has been classified as a Variant of Uncertain Significance.

NM_006269.2(RP1):c.5432C>T (p.Pro1811Leu)

Genes: RP1 (RP1 axonemal microtubule associated; plus strand), LOC126860392 (CDK7 strongly-dependent group 2 enhancer GRCh37_chr8:55541319-55542518; plus strand). Cytogenetic location: 8q12.1.
Variant type: single nucleotide variant.
Coding change: c.5432C>T on transcript NM_006269.2 (MANE Select); coding-DNA position 5432, C replaced by T.
Protein change: p.Pro1811Leu; replaces proline 1811 with leucine.
Molecular consequence: missense variant. On other transcripts: intron variant (1).
Genome position (GRCh38, 1-based): chr8:54,629,314, C>T. VCF-style: chr8-54629314-C-T. GRCh37 (hg19) VCF-style: chr8-55541874-C-T.
Other names: c.787+7026C>T (NM_001375654.1); short protein forms P1811L.
Identifiers: ClinVar variation 4728853 (VCV004728853.1).